The following is an entry in ClinVar:

NM_175914.5(HNF4A):c.*1826G>A

Gene: HNF4A (hepatocyte nuclear factor 4 alpha; plus strand). Cytogenetic location: 20q13.12.
Variant type: single nucleotide variant.
Coding change: c.*1826G>A on transcript NM_175914.5 (MANE Select); 1826 bases downstream of the stop codon, G replaced by A.
Molecular consequence: 3 prime UTR variant.
Genome position (GRCh38, 1-based): chr20:44,431,491, G>A. VCF-style: chr20-44431491-G-A. GRCh37 (hg19) VCF-style: chr20-43060131-G-A.
Other names: c.*1826G>A (NM_000457.6, NM_001030003.3, NM_001258355.2 and 3 more transcripts).
Identifiers: ClinVar variation 895467 (VCV000895467.5), dbSNP rs1763003018, ClinGen allele CA1139666702.

ClinVar aggregate classification (germline): Conflicting classifications of pathogenicity. Review status: criteria provided, conflicting classifications (1 of 4 stars). 3 submissions from 2 submitters: Uncertain significance (2); Benign (1). Last evaluated 2018-03-16.

Conditions:
Maturity-onset diabetes of the young (MODY). Also called: Maturity onset diabetes mellitus in young. Identifiers: Orphanet 552, MedGen C0342276, MONDO:0018911, HP:0004904.
Maturity-onset diabetes of the young type 1. Also called: MODY type 1; Diabetes mellitus MODY type 1; MODY HNF4A related; MILD JUVENILE DIABETES MELLITUS; HNF4A-Related Maturity-Onset Diabetes of the Young Type 1; MODY, type I. Identifiers: Orphanet 552, MedGen C1852093, MONDO:0007452, OMIM 125850. Disease mechanism: loss of function.
Familial hyperinsulinism. Also called: Congenital hyperinsulinism. Identifiers: Orphanet 276525, MedGen C3888018, MONDO:0017182. Disease mechanism: loss of function.

Allele frequency attached by ClinVar (database versions not stated): TOPMed 0.00001.

Submissions (3):

Illumina Laboratory Services, Illumina
Classification: Uncertain significance for Maturity-onset diabetes of the young type 1. Last evaluated: 2018-03-16. Review status: criteria provided, single submitter. Criteria: ICSL Variant Classification Criteria 13 December 2019. Collection method: clinical testing. Allele origin: germline.

Illumina Laboratory Services, Illumina
Classification: Uncertain significance for Familial hyperinsulinism. Last evaluated: 2018-03-16. Review status: criteria provided, single submitter. Criteria: ICSL Variant Classification Criteria 13 December 2019. Collection method: clinical testing. Allele origin: germline.

Clinical Genomics, Uppaluri K&H Personalized Medicine Clinic
Classification: Benign for Maturity-onset diabetes of the young. Review status: criteria provided, single submitter. Criteria: K & H Uppaluri Personalized Medicine Clinic Variant Classification & Assertion Criteria_Updated V.1. Collection method: research. Allele origin: unknown. Inheritance: Autosomal dominant inheritance.
Comment: Potent mutations in HNF4A are associated with poor insulin secretion in response to hyperglycemia. Associated with MODY1. Patients initially respond well to sulfonylureas but eventually become insulin dependent. However, more evidence is required to ascertain the role of this particular variant rs1763003018 in MODY, yet.

Literature cited by the submitters: DOI 10.1159/000334532 (cited by Clinical Genomics, Uppaluri K&H Personalized Medicine Clinic); PubMed 18268044 (cited by Clinical Genomics, Uppaluri K&H Personalized Medicine Clinic); PubMed 17563455 (cited by Clinical Genomics, Uppaluri K&H Personalized Medicine Clinic); PubMed 32583173 (cited by Clinical Genomics, Uppaluri K&H Personalized Medicine Clinic); PubMed 35052457 (cited by Clinical Genomics, Uppaluri K&H Personalized Medicine Clinic); PubMed 35118593 (cited by Clinical Genomics, Uppaluri K&H Personalized Medicine Clinic).